The following is an entry in ClinVar:

ClinVar aggregate classification (germline): Likely benign (1 of 4 stars; one submission).

Allele frequency attached by ClinVar (database versions not stated): gnomAD 0.00001; gnomAD exomes 0.00001 and 0.00002; ExAC 0.00002; TOPMed 0.00002.
gnomAD v4.1: 25 of 1,604,232 alleles (0.0016%); highest among the groups gnomAD compares: Non-Finnish European, 0.002%; no homozygotes.

Submission:

GeneDx
Classification: Likely benign. Last evaluated: 2016-04-28. Review status: criteria provided, single submitter. Criteria: GeneDx Variant Classification (06012015). Collection method: clinical testing. Allele origin: germline. Affected: yes.
Comment: This variant is considered likely benign or benign based on one or more of the following criteria: it is a conservative change, it occurs at a poorly conserved position in the protein, it is predicted to be benign by multiple in silico algorithms, and/or has population frequency not consistent with disease.

NM_004522.3(KIF5C):c.969-20C>T

Gene: KIF5C (kinesin family member 5C; plus strand). Cytogenetic location: 2q23.1.
Variant type: single nucleotide variant.
Coding change: c.969-20C>T on transcript NM_004522.3 (MANE Select); 20 bases into the intron before coding-DNA position 969, C replaced by T.
Molecular consequence: intron variant.
Genome position (GRCh38, 1-based): chr2:148,961,951, C>T. VCF-style: chr2-148961951-C-T. GRCh37 (hg19) VCF-style: chr2-149818465-C-T.
Identifiers: ClinVar variation 385690 (VCV000385690.1), dbSNP rs772985597, ClinGen allele CA1901353.
Genomic context (GRCh38, chr2:148,961,951, plus strand): 5'-GAGGAATCTTGGGCTTAATCATATTGGTTTAGCTAATGGTAATAATTAGCTGAATTGTCC[C>T]CTTATGTTTTTAATCCCAGAGCTAAGACCATCAAGAATACAGTCTCTGTGAACCTAGAAC-3'